The following is an entry in ClinVar:

ClinVar aggregate classification (germline): Pathogenic. Review status: reviewed by expert panel (3 of 4 stars). 10 submissions from 10 submitters: Pathogenic (1). 9 of the submissions do not count toward it. Last evaluated 2024-08-07.

Conditions:
DNM2-related disorders.
Centronuclear myopathy (CNM). Also called: Myotubular myopathy; Centronuclear myopathy, congenital. Identifiers: Orphanet 595, MedGen C0175709, MONDO:0018947. Inheritance: All.
Autosomal dominant centronuclear myopathy. Also called: Myopathy, centronuclear, 3; MYOTUBULAR MYOPATHY, AUTOSOMAL DOMINANT. Identifiers: Orphanet 169189, MedGen C4551952, MeSH D020914, MONDO:0008048, OMIM 160150.
Charcot-Marie-Tooth disease dominant intermediate B (CMTDIB). Also called: Charcot-Marie-Tooth disease dominant intermediate 1; CMT DI1; Charcot-Marie-Tooth disease dominant intermediate I; CHARCOT-MARIE-TOOTH NEUROPATHY, DOMINANT INTERMEDIATE B. Identifiers: Orphanet 100044, Orphanet 228179, MedGen C1847902, MONDO:0011674, OMIM 606482.

Submissions (10):

ClinGen Congenital Myopathies Variant Curation Expert Panel, ClinGen
Classification: Pathogenic for Centronuclear myopathy. Last evaluated: 2024-08-07. Review status: reviewed by expert panel. Criteria: ClinGen CongenMyopathy ACMG Specifications DNM2 V1.0.0. Collection method: curation. Allele origin: germline. Inheritance: Autosomal dominant inheritance.
Comment: The c.1106 G>A (NM_001005361.3(DNM2):c.1106G>A (p.Arg369Gln)) variant in DNM2 is a missense variant predicted to cause substitution of Arg by Gln at amino acid 369. The variant was found in at least 16 individuals from 2 families, all with centronuclear myopathy (PS4; PMIDs: 16227997, 26908122). The mutation segregated in 14 affected family members from 2 families (PP1_strong; PMIDs: 16227997, 26908122). This variant has been identified as a de novo occurrence with an unconfirmed parental relationship in 1 individual with centronuclear myopathy (PM6; PMID: 16227997). This variant is absent from gnomAD v4.1.0 (PM2_Supporting). The computational predictor REVEL gives a score of 0.7, (rounded from 0.698), which meets the threshold of 0.7, evidence that correlates with impact to DNM2 function (PP3). DNM2, in which the variant was identified, is defined by the ClinGen Congenital Myopathies VCEP as a gene that has a low rate of benign missense variation and where pathogenic missense variants are a common mechanism of disease (PP2). In summary, this variant meets the criteria to be classified as likely pathogenic for autosomal dominant centronuclear myopathy based on the ACMG/AMP criteria applied, as specified by the ClinGen Congenital Myopathies VCEP: (PS4, PP1_strong, PM6, PM2_supporting, PP3, PP2; Version 1, 8/7/2024).

Labcorp Genetics (formerly Invitae), Labcorp
Classification: Pathogenic for Charcot-Marie-Tooth disease dominant intermediate B. Last evaluated: 2025-12-16. Review status: criteria provided, single submitter. Criteria: Invitae Variant Classification Sherloc (09022015). Collection method: clinical testing. Allele origin: germline. Not counted in ClinVar's aggregate classification.
Comment: This sequence change replaces arginine, which is basic and polar, with glutamine, which is neutral and polar, at codon 369 of the DNM2 protein (p.Arg369Gln). This variant is not present in population databases (gnomAD no frequency). This missense change has been observed in individuals with centronuclear myopathy and centronuclear myopathy with and without myotonia (PMID: 16227997, 19130742, 24366529, 25501959, 26908122). It has also been observed to segregate with disease in related individuals. ClinVar contains an entry for this variant (Variation ID: 7279). Invitae Evidence Modeling of protein sequence and biophysical properties (such as structural, functional, and spatial information, amino acid conservation, physicochemical variation, residue mobility, and thermodynamic stability) has been performed for this missense variant. However, the output from this modeling did not meet the statistical confidence thresholds required to predict the impact of this variant on DNM2 protein function. This variant disrupts the p.Arg369 amino acid residue in DNM2. Other variant(s) that disrupt this residue have been determined to be pathogenic (PMID: 16227997, 20529869, 20817456, 22613877, 24016602, 25492887, 28676641). This suggests that this residue is clinically significant, and that variants that disrupt this residue are likely to be disease-causing. For these reasons, this variant has been classified as Pathogenic.

GeneDx
Classification: Likely pathogenic. Last evaluated: 2024-12-17. Review status: criteria provided, single submitter. Criteria: GeneDx Variant Classification Process June 2021. Collection method: clinical testing. Allele origin: germline. Affected: yes. Not counted in ClinVar's aggregate classification.
Comment: Not observed at significant frequency in large population cohorts (gnomAD); In silico analysis supports that this missense variant has a deleterious effect on protein structure/function; This variant is associated with the following publications: (PMID: Fujise2021[article], 28971531, 22613877, 22396310, 28676641, 25492887, 26908122, 30925452, 20529869, 24366529, 16227997, 25501959, 19130742, 30149909, 31321302, 32403337, 28000226, 24465259, 32298515, 26215883, 20817456, 20227276, 21221624, 20858595, 24016602, 34426522, 34595679, 27535533)

Blueprint Genetics
Classification: Pathogenic for DNM2-related disorders. Last evaluated: 2024-04-19. Review status: criteria provided, single submitter. Criteria: ACMG Guidelines, 2015. Collection method: clinical testing. Allele origin: germline. Affected: yes. Observed: 1 variant allele. Not counted in ClinVar's aggregate classification.

Dasa
Classification: Pathogenic for Charcot-Marie-Tooth disease dominant intermediate B. Last evaluated: 2022-06-10. Review status: criteria provided, single submitter. Criteria: ACMG Guidelines, 2015. Collection method: clinical testing. Allele origin: germline. Affected: yes. Observed: 1 variant allele. Not counted in ClinVar's aggregate classification.
Comment: The c.1106G>A;p.(Arg369Gln) missense change has been observed in affected individual(s) and ClinVar contains an entry for this variant (Clinvar ID: 7279; PMID: 28676641; 24366529; 25501959; 25492887; 24016602) - PS4. The variant is located in a mutational hot spot and/or critical and well-established functional domain (Dynamin_M) - PM1. This variant is not present in population databases:rs121909089, gnomAD; ABraOM no frequency) - PM2. Pathogenic missense variant in this residue have been reported and classified as Pathogenic by ACMG criteria (Clinvar ID: 245905; 7280) - PM5. The variant co-segregated with disease in multiple affected family members (PMID: 25501959) - PP1. Multiple lines of computational evidence support a deleterious effect on the gene or gene product - PP3. In summary, the currently available evidence indicates that the variant is Pathogenic

Revvity Omics, Revvity
Classification: Pathogenic. Last evaluated: 2021-08-10. Review status: criteria provided, single submitter. Criteria: ACMG Guidelines, 2015. Collection method: clinical testing. Allele origin: germline. Not counted in ClinVar's aggregate classification.

Genetic Services Laboratory, University of Chicago
Classification: Pathogenic for Myopathy, centronuclear. Last evaluated: 2013-02-08. Review status: criteria provided, single submitter. Criteria: ACMG Guidelines, 2007. Collection method: clinical testing. Allele origin: germline. Inheritance: Autosomal dominant inheritance. Affected: yes. Not counted in ClinVar's aggregate classification.

Neuberg Centre For Genomic Medicine, NCGM
Classification: Pathogenic for Autosomal dominant centronuclear myopathy. Review status: criteria provided, single submitter. Criteria: ACMG Guidelines, 2015. Collection method: clinical testing. Allele origin: germline. Affected: yes. Not counted in ClinVar's aggregate classification.
Comment: The missense variant p.R369Q in DNM2 (NM_001005360.3) has been reported in individuals affected with centronuclear myopathy with and without myotonia (Bitoun M et al, 2005; Chen T et al, 2015; Lin P et al, 2016; Jeub M et al, 2012; Dabby R et al, 2014). The p.R369Q variant is novel (not in any individuals) in gnomAD Exomes and is novel (not in any individuals) in 1000 Genomes. The p.R369Q missense variant is predicted to be damaging by both SIFT and PolyPhen2. The arginine residue at codon 369 of DNM2 is conserved in all mammalian species. The nucleotide c.1106 in DNM2 is predicted conserved by GERP++ and PhyloP across 100 vertebrates. For these reasons, this variant has been classified as Pathogenic.

Inherited Neuropathy Consortium Ii, University Of Miami
Classification: Uncertain significance for Charcot-Marie-Tooth disease dominant intermediate B. Last evaluated: 2016-01-06. Review status: no assertion criteria provided. Collection method: literature only. Allele origin: germline. Affected: yes. Not counted in ClinVar's aggregate classification.

OMIM
Classification: Pathogenic for MYOPATHY, CENTRONUCLEAR, 1. Last evaluated: 2005-11-01. Review status: no assertion criteria provided. Collection method: literature only. Allele origin: germline. Not counted in ClinVar's aggregate classification.

Literature cited by the submitters: PubMed 16227997 (cited by 3 submitters); PubMed 19130742 (cited by Labcorp Genetics (formerly Invitae), Labcorp); PubMed 24366529 (cited by Labcorp Genetics (formerly Invitae), Labcorp and Dasa); PubMed 25501959 (cited by Labcorp Genetics (formerly Invitae), Labcorp and Dasa); PubMed 26908122 (cited by Labcorp Genetics (formerly Invitae), Labcorp); PubMed 20529869 (cited by Labcorp Genetics (formerly Invitae), Labcorp); PubMed 20817456 (cited by Labcorp Genetics (formerly Invitae), Labcorp); PubMed 22613877 (cited by Labcorp Genetics (formerly Invitae), Labcorp); PubMed 24016602 (cited by Labcorp Genetics (formerly Invitae), Labcorp and Dasa); PubMed 25492887 (cited by Labcorp Genetics (formerly Invitae), Labcorp and Dasa); PubMed 28676641 (cited by Labcorp Genetics (formerly Invitae), Labcorp and Dasa).

NM_001005361.3(DNM2):c.1106G>A (p.Arg369Gln)

Gene: DNM2 (dynamin 2; plus strand). Cytogenetic location: 19p13.2.
Variant type: single nucleotide variant.
Coding change: c.1106G>A on transcript NM_001005361.3 (MANE Select); coding-DNA position 1106, G replaced by A.
Protein change: p.Arg369Gln; replaces arginine 369 with glutamine.
Molecular consequence: missense variant.
Genome position (GRCh38, 1-based): chr19:10,793,833, G>A. VCF-style: chr19-10793833-G-A. GRCh37 (hg19) VCF-style: chr19-10904509-G-A.
Other names: NM_001005361.3(DNM2):c.1106G>A; c.1106G>A, p.Arg369Gln (NM_001005360.3, NM_001005362.3, NM_001190716.2 and 1 more transcripts); short protein forms R369Q.
Identifiers: ClinVar variation 7279 (VCV000007279.29), dbSNP rs121909089, ClinGen allele CA118655.